The following is an entry in ClinVar:

NM_015158.5(KANK1):c.1514C>G (p.Thr505Arg)

Gene: KANK1 (KN motif and ankyrin repeat domains 1; plus strand). Cytogenetic location: 9p24.3.
Variant type: single nucleotide variant.
Coding change: c.1514C>G on transcript NM_015158.5 (MANE Select); coding-DNA position 1514, C replaced by G.
Protein change: p.Thr505Arg; replaces threonine 505 with arginine.
Molecular consequence: missense variant. On other transcripts: non-coding transcript variant (1).
Genome position (GRCh38, 1-based): chr9:712,280, C>G. VCF-style: chr9-712280-C-G. GRCh37 (hg19) VCF-style: chr9-712280-C-G.
Other names: c.1514C>G (NM_015158.2); c.1514C>G, p.Thr505Arg (NM_001256876.3, NM_001256877.3, NM_001354331.2 and 2 more transcripts); c.1040C>G, p.Thr347Arg (NM_001354333.2, NM_001354335.2, NM_001354336.2 and 9 more transcripts); short protein forms T505R, T347R.
Identifiers: ClinVar variation 1408889 (VCV001408889.9), dbSNP rs577156322, ClinGen allele CA187837239.

ClinVar aggregate classification (germline): Uncertain significance. Review status: criteria provided, multiple submitters, no conflicts (2 of 4 stars). 2 submissions from 2 submitters: Uncertain significance (2). Last evaluated 2023-05-27.

Allele frequency attached by ClinVar (database versions not stated): gnomAD 0.00001; 1000 Genomes Project 30x 0.00016; 1000 Genomes Project 0.00020.
gnomAD v4.1: 11 of 1,614,152 alleles (0.00068%); highest among the groups gnomAD compares: East Asian, 0.011%; no homozygotes.

Submissions (2):

Labcorp Genetics (formerly Invitae), Labcorp
Classification: Uncertain significance. Last evaluated: 2023-05-27. Review status: criteria provided, single submitter. Criteria: Invitae Variant Classification Sherloc (09022015). Collection method: clinical testing. Allele origin: germline.
Comment: This variant has not been reported in the literature in individuals affected with KANK1-related conditions. In summary, the available evidence is currently insufficient to determine the role of this variant in disease. Therefore, it has been classified as a Variant of Uncertain Significance. Advanced modeling of protein sequence and biophysical properties (such as structural, functional, and spatial information, amino acid conservation, physicochemical variation, residue mobility, and thermodynamic stability) has been performed at Invitae for this missense variant, however the output from this modeling did not meet the statistical confidence thresholds required to predict the impact of this variant on KANK1 protein function. ClinVar contains an entry for this variant (Variation ID: 1408889). This variant is present in population databases (rs577156322, gnomAD 0.006%). This sequence change replaces threonine, which is neutral and polar, with arginine, which is basic and polar, at codon 505 of the KANK1 protein (p.Thr505Arg).

Ambry Genetics
Classification: Uncertain significance. Last evaluated: 2023-03-06. Review status: criteria provided, single submitter. Criteria: Ambry Variant Classification Scheme 2023. Collection method: clinical testing. Allele origin: germline.